The following is an entry in ClinVar:

NM_001330700.2(TOP2B):c.137C>T (p.Ser46Leu)

Gene: TOP2B (DNA topoisomerase II beta; minus strand). Cytogenetic location: 3p24.2.
Variant type: single nucleotide variant.
Coding change: c.137C>T on transcript NM_001330700.2 (MANE Select); coding-DNA position 137, C replaced by T.
Protein change: p.Ser46Leu; replaces serine 46 with leucine.
Molecular consequence: missense variant.
Genome position (GRCh38, 1-based): chr3:25,645,403, G>A on the plus strand (C>T on the coding strand, the complement: TOP2B is on the minus strand). VCF-style: chr3-25645403-G-A. GRCh37 (hg19) VCF-style: chr3-25686894-G-A.
Other names: c.122C>T, p.Ser41Leu (NM_001068.3); c.122C>T (NM_001068.2); short protein forms S41L, S46L.
Identifiers: ClinVar variation 1467588 (VCV001467588.7), dbSNP rs1383841349, ClinGen allele CA351914965.
Genomic context (GRCh38, chr3:25,645,403, plus strand): 5'-AGAAGAATGTGTTCAAGTTGTGTCTTCTTCTGATACACTCTCTCAACAGACAACTTCTTT[G>A]AAGAATCATTTTTGTTGGCAGTTTCTGACTCTTCTTTTTTTGCAGCATTGTTCTGATCAA-3'
Protein context (NP_001317629.1, residues 36-56): ESETANKNDS[Ser46Leu]KKLSVERVYQ

ClinVar aggregate classification (germline): Uncertain significance. Review status: criteria provided, multiple submitters, no conflicts (2 of 4 stars). 2 submissions from 2 submitters: Uncertain significance (2). Last evaluated 2025-11-08.

Allele frequency attached by ClinVar (database versions not stated): gnomAD exomes below 0.00001; gnomAD 0.00005; TOPMed 0.00006.
gnomAD v4.1: 11 of 1,613,560 alleles (0.00068%); highest among the groups gnomAD compares: Admixed American, 0.0067%; no homozygotes.

Submissions (2):

Labcorp Genetics (formerly Invitae), Labcorp
Classification: Uncertain significance. Last evaluated: 2025-11-08. Review status: criteria provided, single submitter. Criteria: Invitae Variant Classification Sherloc (09022015). Collection method: clinical testing. Allele origin: germline.
Comment: This sequence change replaces serine, which is neutral and polar, with leucine, which is neutral and non-polar, at codon 41 of the TOP2B protein (p.Ser41Leu). This variant is not present in population databases (gnomAD no frequency). This variant has not been reported in the literature in individuals affected with TOP2B-related conditions. ClinVar contains an entry for this variant (Variation ID: 1467588). An algorithm developed to predict the effect of missense changes on protein structure and function (PolyPhen-2) suggests that this variant is likely to be tolerated. In summary, the available evidence is currently insufficient to determine the role of this variant in disease. Therefore, it has been classified as a Variant of Uncertain Significance.

Ambry Genetics
Classification: Uncertain significance. Last evaluated: 2025-08-06. Review status: criteria provided, single submitter. Criteria: Ambry Variant Classification Scheme 2023. Collection method: clinical testing. Allele origin: germline.